The following is an entry in ClinVar:

ClinVar aggregate classification (germline): Benign. Review status: criteria provided, multiple submitters, no conflicts (2 of 4 stars). 3 submissions from 3 submitters: Benign (3). Last evaluated 2026-06-01.

Allele frequency attached by ClinVar (database versions not stated): 1000 Genomes Project 0.00459; 1000 Genomes Project 30x 0.00484; TOPMed 0.00714; gnomAD 0.00755; ExAC 0.00773; gnomAD exomes 0.00810 and 0.01129; ESP Exome Variant Server 0.01007.
gnomAD v4.1: 17,605 of 1,613,350 alleles (1.1%); highest among the groups gnomAD compares: Non-Finnish European, 1.3%; 101 homozygotes.

Submissions (3):

CeGaT Center for Human Genetics Tuebingen
Classification: Benign. Last evaluated: 2026-06-01. Review status: criteria provided, single submitter. Criteria: CeGaT Center For Human Genetics Tuebingen Variant Classification Criteria Version 2. Collection method: clinical testing. Allele origin: germline. Affected: yes. Observed: 18 variant alleles.
Comment: MUC15: BP4, BS1, BS2; ANO3: BS1, BS2

Labcorp Genetics (formerly Invitae), Labcorp
Classification: Benign. Last evaluated: 2018-09-25. Review status: criteria provided, single submitter. Criteria: Invitae Variant Classification Sherloc (09022015). Collection method: clinical testing. Allele origin: germline.

Breakthrough Genomics
Classification: Benign. Review status: criteria provided, single submitter. Criteria: ACMG Guidelines, 2015. Collection method: not provided. Allele origin: germline. Inheritance: Unknown mechanism. Affected: yes.

NM_001135091.2(MUC15):c.469G>A (p.Asp157Asn)

Genes: ANO3 (anoctamin 3; plus strand), MUC15 (mucin 15, cell surface associated; minus strand). Cytogenetic location: 11p14.2.
Variant type: single nucleotide variant.
Coding change: c.469G>A on transcript NM_001135091.2 (MANE Select); coding-DNA position 469, G replaced by A.
Protein change: p.Asp157Asn; replaces aspartic acid 157 with asparagine.
Molecular consequence: missense variant. On other transcripts: intron variant (3).
Genome position (GRCh38, 1-based): chr11:26,565,471, C>T on the plus strand (G>A on the coding strand, the complement: MUC15 is on the minus strand). VCF-style: chr11-26565471-C-T. GRCh37 (hg19) VCF-style: chr11-26587018-C-T.
Other names: c.1447+5692C>T (NM_031418.4); c.1009+5692C>T (NM_001313727.2); c.469G>A, p.Asp157Asn (NM_001135092.2); c.388G>A, p.Asp130Asn (NM_145650.4); c.1630+5692C>T (NM_001313726.2); short protein forms D130N, D157N.
Identifiers: ClinVar variation 773244 (VCV000773244.32), dbSNP rs35317037, ClinGen allele CA5926129.